The following is an entry in ClinVar:

ClinVar aggregate classification (germline): Uncertain significance. Review status: criteria provided, multiple submitters, no conflicts (2 of 4 stars). 2 submissions from 2 submitters: Uncertain significance (2). Last evaluated 2025-02-11.

gnomAD v4.1: 1 of 1,453,430 alleles (0.000069%); highest among the groups gnomAD compares: Non-Finnish European, 0.00009%; no homozygotes.

Submissions (2):

Labcorp Genetics (formerly Invitae), Labcorp
Classification: Uncertain significance. Last evaluated: 2025-02-11. Review status: criteria provided, single submitter. Criteria: Invitae Variant Classification Sherloc (09022015). Collection method: clinical testing. Allele origin: germline.
Comment: This sequence change replaces serine, which is neutral and polar, with asparagine, which is neutral and polar, at codon 391 of the CDK13 protein (p.Ser391Asn). This variant is not present in population databases (gnomAD no frequency). This variant has not been reported in the literature in individuals affected with CDK13-related conditions. ClinVar contains an entry for this variant (Variation ID: 1690509). Invitae Evidence Modeling of protein sequence and biophysical properties (such as structural, functional, and spatial information, amino acid conservation, physicochemical variation, residue mobility, and thermodynamic stability) indicates that this missense variant is not expected to disrupt CDK13 protein function with a negative predictive value of 95%. In summary, the available evidence is currently insufficient to determine the role of this variant in disease. Therefore, it has been classified as a Variant of Uncertain Significance.

Laboratorio de Genetica e Diagnostico Molecular, Hospital Israelita Albert Einstein
Classification: Uncertain significance. Last evaluated: 2021-11-29. Review status: criteria provided, single submitter. Criteria: ACMG Guidelines, 2015. Collection method: clinical testing. Allele origin: germline. Affected: yes.
Comment: ACMG classification criteria: PM2, BP4

NM_003718.5(CDK13):c.1172G>A (p.Ser391Asn)

Gene: CDK13 (cyclin dependent kinase 13; plus strand). Cytogenetic location: 7p14.1.
Variant type: single nucleotide variant.
Coding change: c.1172G>A on transcript NM_003718.5 (MANE Select); coding-DNA position 1172, G replaced by A.
Protein change: p.Ser391Asn; replaces serine 391 with asparagine.
Molecular consequence: missense variant.
Genome position (GRCh38, 1-based): chr7:39,951,813, G>A. VCF-style: chr7-39951813-G-A. GRCh37 (hg19) VCF-style: chr7-39991412-G-A.
Other names: c.1172G>A, p.Ser391Asn (NM_031267.4); short protein forms S391N.
Identifiers: ClinVar variation 1690509 (VCV001690509.3), dbSNP rs142221015, ClinGen allele CA367311786.